The following is an entry in ClinVar:

ClinVar aggregate classification (germline): Uncertain significance. Review status: criteria provided, multiple submitters, no conflicts (2 of 4 stars). 2 submissions from 2 submitters: Uncertain significance (2). Last evaluated 2025-04-10.

Conditions:
Inborn genetic diseases. Identifiers: MedGen C0950123, MeSH D030342.

Allele frequency attached by ClinVar (database versions not stated): gnomAD 0.00001; TOPMed 0.00002; ExAC 0.00003.

Submissions (2):

Ambry Genetics
Classification: Uncertain significance for Inborn genetic diseases. Last evaluated: 2025-04-10. Review status: criteria provided, single submitter. Criteria: Ambry Variant Classification Scheme 2023. Collection method: clinical testing. Allele origin: germline.

GeneDx
Classification: Uncertain significance. Last evaluated: 2022-09-13. Review status: criteria provided, single submitter. Criteria: GeneDx Variant Classification Process June 2021. Collection method: clinical testing. Allele origin: germline. Affected: yes.
Comment: In silico analysis supports that this missense variant does not alter protein structure/function; Has not been previously published as pathogenic or benign to our knowledge

NM_001256012.3(MYH10):c.4150G>C (p.Glu1384Gln)

Gene: MYH10 (myosin heavy chain 10; minus strand). Cytogenetic location: 17p13.1.
Variant type: single nucleotide variant.
Coding change: c.4150G>C on transcript NM_001256012.3 (MANE Select); coding-DNA position 4150, G replaced by C.
Protein change: p.Glu1384Gln; replaces glutamic acid 1384 with glutamine.
Molecular consequence: missense variant.
Genome position (GRCh38, 1-based): chr17:8,493,792, C>G on the plus strand (G>C on the coding strand, the complement: MYH10 is on the minus strand). VCF-style: chr17-8493792-C-G. GRCh37 (hg19) VCF-style: chr17-8397110-C-G.
Other names: c.4084G>C, p.Glu1362Gln (NM_001256095.2); c.4087G>C, p.Glu1363Gln (NM_001375266.1); c.4057G>C, p.Glu1353Gln (NM_005964.5); c.4057G>C (NM_005964.1); short protein forms E1353Q, E1362Q, E1363Q, E1384Q.
Identifiers: ClinVar variation 2444609 (VCV002444609.2), dbSNP rs755598671, ClinGen allele CA8377283.